The following is an entry in ClinVar:

ClinVar aggregate classification (germline): Pathogenic. Review status: reviewed by expert panel (3 of 4 stars). 6 submissions from 6 submitters: Pathogenic (1). 5 of the submissions do not count toward it. Last evaluated 2016-09-08.

Conditions:
Hereditary cancer-predisposing syndrome. Also called: Tumor predisposition; Hereditary Cancer Syndrome; Neoplastic Syndromes, Hereditary; Hereditary neoplastic syndrome. Identifiers: Orphanet 140162, MedGen C0027672, MeSH D009386, MONDO:0015356.
Hereditary breast ovarian cancer syndrome. Also called: Hereditary breast and ovarian cancer; Hereditary breast and/or ovarian cancer syndrome; BRCA1- and BRCA2-Associated Hereditary Breast and Ovarian Cancer; Hereditary breast and ovarian cancer syndrome; Hereditary breast and ovarian cancer syndrome (HBOC); Breast and ovarian cancer. Identifiers: Orphanet 145, MedGen C0677776, MeSH D061325, MONDO:0003582. Disease mechanism: loss of function.
Breast-ovarian cancer, familial, susceptibility to, 2 (BROVCA2). Also called: BRCA2 Hereditary Breast and Ovarian Cancer. Identifiers: Orphanet 145, MedGen C2675520, MONDO:0012933, OMIM 612555. Disease mechanism: loss of function.
Familial cancer of breast. Also called: BREAST CANCER, FAMILIAL; Hereditary breast cancer; hereditary breast carcinoma. Identifiers: Orphanet 227535, MedGen C0346153, MONDO:0016419, OMIM 114480. Disease mechanism: loss of function.

Submissions (6):

Evidence-based Network for the Interpretation of Germline Mutant Alleles (ENIGMA)
Classification: Pathogenic for Breast-ovarian cancer, familial, susceptibility to, 2. Last evaluated: 2016-09-08. Review status: reviewed by expert panel. Criteria: ENIGMA BRCA1/2 Classification Criteria (2015). Collection method: curation. Allele origin: germline.
Comment: Variant allele predicted to encode a truncated non-functional protein.

Ambry Genetics
Classification: Pathogenic for Hereditary cancer-predisposing syndrome. Last evaluated: 2025-07-08. Review status: criteria provided, single submitter. Criteria: Ambry Variant Classification Scheme 2023. Collection method: clinical testing. Allele origin: germline. Not counted in ClinVar's aggregate classification.
Comment: The c.7379_7380insG pathogenic mutation, located in coding exon 13 of the BRCA2 gene, results from an insertion of one nucleotide at position 7379, causing a translational frameshift with a predicted alternate stop codon (p.N2460Kfs*15). This alteration was identified in 1/10030 consecutive patients referred for evaluation by an NGS hereditary cancer panel (Susswein LR et al. Genet. Med., 2016 08;18:823-32). This alteration is expected to result in loss of function by premature protein truncation or nonsense-mediated mRNA decay. As such, this alteration is interpreted as a disease-causing mutation.

Labcorp Genetics (formerly Invitae), Labcorp
Classification: Pathogenic for Hereditary breast ovarian cancer syndrome. Last evaluated: 2024-08-30. Review status: criteria provided, single submitter. Criteria: Invitae Variant Classification Sherloc (09022015). Collection method: clinical testing. Allele origin: germline. Not counted in ClinVar's aggregate classification.
Comment: This sequence change creates a premature translational stop signal (p.Asn2460Lysfs*15) in the BRCA2 gene. It is expected to result in an absent or disrupted protein product. Loss-of-function variants in BRCA2 are known to be pathogenic (PMID: 20104584). This variant is not present in population databases (gnomAD no frequency). This premature translational stop signal has been observed in individual(s) with breast cancer (PMID: 26681312). ClinVar contains an entry for this variant (Variation ID: 126135). For these reasons, this variant has been classified as Pathogenic.

Quest Diagnostics Nichols Institute San Juan Capistrano
Classification: Pathogenic. Last evaluated: 2024-07-26. Review status: criteria provided, single submitter. Criteria: Quest Diagnostics criteria. Collection method: clinical testing. Allele origin: unknown. Not counted in ClinVar's aggregate classification.
Comment: The BRCA2 c.7379_7380insG (p.Asn2460Lysfs*15) variant alters the translational reading frame of the BRCA2 mRNA and causes the premature termination of BRCA2 protein synthesis. This variant has been reported in the published literature in individuals with breast cancer (PMID: 26681312 (2015)) and leukemia (PMID: 34308104 (2021)). This variant has not been reported in large, multi-ethnic general populations (Genome Aggregation Database). Based on the available information, this variant is classified as pathogenic.

Baylor Genetics
Classification: Pathogenic for Familial cancer of breast. Last evaluated: 2024-01-05. Review status: criteria provided, single submitter. Criteria: ACMG Guidelines, 2015. Collection method: clinical testing. Allele origin: unknown. Not counted in ClinVar's aggregate classification.

Breast Cancer Information Core (BIC) (BRCA2)
Classification: Pathogenic for Breast-ovarian cancer, familial 2. Last evaluated: 1999-06-22. Review status: no assertion criteria provided. Collection method: clinical testing. Allele origin: germline. Affected: yes. Observed: 2 variant alleles. Not counted in ClinVar's aggregate classification.

Literature cited by the submitters: PubMed 26681312 (cited by 3 submitters); PubMed 20104584 (cited by Labcorp Genetics (formerly Invitae), Labcorp); PubMed 34308104 (cited by Quest Diagnostics Nichols Institute San Juan Capistrano).

NM_000059.4(BRCA2):c.7379_7380insG (p.Asn2460fs)

Gene: BRCA2 (BRCA2 DNA repair associated; plus strand). Cytogenetic location: 13q13.1.
Variant type: Insertion.
Coding change: c.7379_7380insG on transcript NM_000059.4 (MANE Select); coding-DNA positions 7379 to 7380, G inserted.
Protein change: p.Asn2460fs; shifts the reading frame from asparagine 2460.
Molecular consequence: frameshift variant.
Genome position: GRCh38 VCF-style: chr13-32355232-A-AG. GRCh37 (hg19) VCF-style: chr13-32929369-A-AG.
Other names: 7607insG; short protein forms N2460fs.
Identifiers: ClinVar variation 126135 (VCV000126135.24), dbSNP rs80359647, ClinGen allele CA025047.
Genomic context (GRCh38, chr13:32,355,232, plus strand): 5'-ATGGCTCTGATGATAGTAAAAATAAGATTAATGACAATGAGATTCATCAGTTTAACAAAA[A>AG]CAACTCCAATCAAGCAGTAGCTGTAACTTTCACAAAGTGTGAAGAAGAACCTTTAGGTAT-3'